The following is an entry in ClinVar:

ClinVar aggregate classification (germline): Likely benign. Review status: criteria provided, multiple submitters, no conflicts (2 of 4 stars). 2 submissions from 2 submitters: Likely benign (2). Last evaluated 2023-12-14.

Conditions:
Malignant hyperthermia, susceptibility to, 1 (MHS1). Also called: Anesthesia related hyperthermia; Malignant hyperpyrexia; Fulminating hyperpyrexia; Pharmacogenic myopathy; RYR1-Related Malignant Hyperthermia Susceptibility; Malignant hyperthermia suceptibility 1. Identifiers: Orphanet 423, MedGen C2930980, MONDO:0007783, OMIM 145600.
RYR1-related disorder. Also called: RYR1-related condition; RYR1-related disorders. Identifiers: MedGen CN239331.

Allele frequency attached by ClinVar (database versions not stated): gnomAD exomes below 0.00001; TOPMed below 0.00001; ExAC 0.00001; gnomAD 0.00001.
gnomAD v4.1: 4 of 1,614,092 alleles (0.00025%); highest among the groups gnomAD compares: Non-Finnish European, 0.00034%; no homozygotes.

Submissions (2):

Labcorp Genetics (formerly Invitae), Labcorp
Classification: Likely benign for RYR1-related disorder. Last evaluated: 2023-12-14. Review status: criteria provided, single submitter. Criteria: Invitae Variant Classification Sherloc (09022015). Collection method: clinical testing. Allele origin: germline.

All of Us Research Program, National Institutes of Health
Classification: Likely benign for Malignant hyperthermia, susceptibility to, 1. Last evaluated: 2023-07-10. Review status: criteria provided, single submitter. Criteria: ACMG Guidelines, 2015. Collection method: clinical testing. Allele origin: germline. Inheritance: Autosomal dominant inheritance. Observed: 1 variant allele, 1 heterozygote.
Comment: This study involves interpretation of variants in research participants for the purpose of population health screening. Participant phenotype was not available at the time of variant classification. Additional details can be found in publication PMID: 35346344, PMCID: PMC8962531

NM_000540.3(RYR1):c.5976A>G (p.Ala1992=)

Gene: RYR1 (ryanodine receptor 1; plus strand). Cytogenetic location: 19q13.2.
Variant type: single nucleotide variant.
Coding change: c.5976A>G on transcript NM_000540.3 (MANE Select); coding-DNA position 5976, A replaced by G.
Protein change: p.Ala1992=; no amino-acid change (alanine 1992 retained).
Molecular consequence: synonymous variant.
Genome position (GRCh38, 1-based): chr19:38,490,237, A>G. VCF-style: chr19-38490237-A-G. GRCh37 (hg19) VCF-style: chr19-38980877-A-G.
Other names: c.5976A>G, p.Ala1992= (NM_001042723.2).
Identifiers: ClinVar variation 3014731 (VCV003014731.4), dbSNP rs571043780, ClinGen allele CA067597.